The following is an entry in ClinVar:

ClinVar aggregate classification (germline): Likely benign (1 of 4 stars; one submission).

Allele frequency attached by ClinVar (database versions not stated): gnomAD 0.00001; ExAC 0.00001; TOPMed 0.00002 and 0.00001.
gnomAD v4.1: 5 of 1,612,804 alleles (0.00031%); highest among the groups gnomAD compares: South Asian, 0.0022%; no homozygotes.

Submission:

GeneDx
Classification: Likely benign. Last evaluated: 2017-10-18. Review status: criteria provided, single submitter. Criteria: GeneDx Variant Classification (06012015). Collection method: clinical testing. Allele origin: germline. Affected: yes.
Comment: This variant is considered likely benign or benign based on one or more of the following criteria: it is a conservative change, it occurs at a poorly conserved position in the protein, it is predicted to be benign by multiple in silico algorithms, and/or has population frequency not consistent with disease.

NM_080680.3(COL11A2):c.5071-10C>T

Gene: COL11A2 (collagen type XI alpha 2 chain; minus strand). Cytogenetic location: 6p21.32.
Variant type: single nucleotide variant.
Coding change: c.5071-10C>T on transcript NM_080680.3 (MANE Select); 10 bases into the intron before coding-DNA position 5071, C replaced by T.
Molecular consequence: intron variant.
Genome position (GRCh38, 1-based): chr6:33,163,828, G>A on the plus strand (C>T on the coding strand, the complement: COL11A2 is on the minus strand). VCF-style: chr6-33163828-G-A. GRCh37 (hg19) VCF-style: chr6-33131605-G-A.
Other names: c.4750-10C>T (NM_080679.3); c.4813-10C>T (NM_080681.3).
Identifiers: ClinVar variation 512353 (VCV000512353.1), dbSNP rs771886624, ClinGen allele CA3749916.